The following is an entry in ClinVar:

ClinVar aggregate classification (germline): Likely benign. Review status: criteria provided, multiple submitters, no conflicts (2 of 4 stars). 3 submissions from 3 submitters: Likely benign (3). Last evaluated 2025-07-15.

Conditions:
Cardiomyopathy (CMYO). Also called: Cardiomyopathies. Identifiers: Orphanet 167848, MedGen C0878544, MONDO:0004994, HP:0001638. Inheritance: Various modes of inheritance.
Hypertrophic cardiomyopathy. Also called: HYPERTROPHIC MYOCARDIOPATHY. Identifiers: Orphanet 217569, MedGen C0007194, MeSH D002312, MONDO:0005045, HP:0001639.

Allele frequency attached by ClinVar (database versions not stated): gnomAD exomes below 0.00001.
gnomAD v4.1: 2 of 1,576,638 alleles (0.00013%); highest among the groups gnomAD compares: Non-Finnish European, 0.00017%; no homozygotes.

Submissions (3):

Labcorp Genetics (formerly Invitae), Labcorp
Classification: Likely benign for Hypertrophic cardiomyopathy. Last evaluated: 2025-07-15. Review status: criteria provided, single submitter. Criteria: Invitae Variant Classification Sherloc (09022015). Collection method: clinical testing. Allele origin: germline.

All of Us Research Program, National Institutes of Health
Classification: Likely benign for Hypertrophic cardiomyopathy. Last evaluated: 2023-12-13. Review status: criteria provided, single submitter. Criteria: ACMG Guidelines, 2015. Collection method: clinical testing. Allele origin: germline. Inheritance: Autosomal dominant inheritance. Observed: 1 variant allele, 1 heterozygote.
Comment: This study involves interpretation of variants in research participants for the purpose of population health screening. Participant phenotype was not available at the time of variant classification. Additional details can be found in publication PMID: 35346344, PMCID: PMC8962531

Color Diagnostics, LLC DBA Color Health
Classification: Likely benign for Cardiomyopathy. Last evaluated: 2018-12-03. Review status: criteria provided, single submitter. Criteria: ACMG Guidelines, 2015. Collection method: clinical testing. Allele origin: germline.

NM_000256.3(MYBPC3):c.26-7C>T

Gene: MYBPC3 (myosin binding protein C3; minus strand). Cytogenetic location: 11p11.2.
Variant type: single nucleotide variant.
Coding change: c.26-7C>T on transcript NM_000256.3 (MANE Select); 7 bases into the intron before coding-DNA position 26, C replaced by T.
Molecular consequence: intron variant.
Genome position (GRCh38, 1-based): chr11:47,351,512, G>A on the plus strand (C>T on the coding strand, the complement: MYBPC3 is on the minus strand). VCF-style: chr11-47351512-G-A. GRCh37 (hg19) VCF-style: chr11-47373063-G-A.
Identifiers: ClinVar variation 923403 (VCV000923403.4), dbSNP rs2095901053, ClinGen allele CA913188360.
Genomic context (GRCh38, chr11:47,351,512, plus strand): 5'-CAGGGCTGCCTGCGGCCACTTCCACTGACCGTGGCTTCTTGCTAAAAGCTGAGACTGAAG[G>A]GCCAGGTGGAGGCTACAGCGGCCCCTGGTTGGAGCGTGCACCCCGCCCCTGCAGCCCCTC-3'